The following is an entry in ClinVar:

NM_203447.4(DOCK8):c.2620C>T (p.Leu874Phe)

Gene: DOCK8 (dedicator of cytokinesis 8; plus strand). Cytogenetic location: 9p24.3.
Variant type: single nucleotide variant.
Coding change: c.2620C>T on transcript NM_203447.4 (MANE Select); coding-DNA position 2620, C replaced by T.
Protein change: p.Leu874Phe; replaces leucine 874 with phenylalanine.
Molecular consequence: missense variant.
Genome position (GRCh38, 1-based): chr9:382,527, C>T. VCF-style: chr9-382527-C-T. GRCh37 (hg19) VCF-style: chr9-382527-C-T.
Other names: c.2416C>T, p.Leu806Phe (NM_001190458.2, NM_001193536.2); short protein forms L874F, L806F.
Identifiers: ClinVar variation 1954927 (VCV001954927.6), dbSNP rs1448788640, ClinGen allele CA372765158.
Genomic context (GRCh38, chr9:382,527, plus strand): 5'-CTCTGTTCCCCTGTCTGTTGACATGTCTCTGCCTGGTGGGGTGCAGGCGCTCCCACTGCC[C>T]TCCTAGACCCTCGGAGCTACCACACGTATGGCCGCACATCAGCTGCTGCTGTGAGTTCAA-3'
Protein context (NP_982272.2, residues 864-884): DVPKSGAPTA[Leu874Phe]LDPRSYHTYG

ClinVar aggregate classification (germline): Uncertain significance. Review status: criteria provided, multiple submitters, no conflicts (2 of 4 stars). 2 submissions from 2 submitters: Uncertain significance (2). Last evaluated 2024-09-19.

Conditions:
Inborn genetic diseases. Identifiers: MedGen C0950123, MeSH D030342.
Combined immunodeficiency due to DOCK8 deficiency (HIES2). Also called: HYPER-IgE SYNDROME 2, AUTOSOMAL RECESSIVE, WITH RECURRENT INFECTIONS; DOCK8 Deficiency; HYPER-IgE RECURRENT INFECTION SYNDROME 2, AUTOSOMAL RECESSIVE; HIES autosomal recessive; Hyper-IgE recurrent infection syndrome, autosomal recessive. Identifiers: Orphanet 217390, MedGen C4722305, MONDO:0009478, OMIM 243700.

Allele frequency attached by ClinVar (database versions not stated): TOPMed below 0.00001.

Submissions (2):

Labcorp Genetics (formerly Invitae), Labcorp
Classification: Uncertain significance for Combined immunodeficiency due to DOCK8 deficiency. Last evaluated: 2024-09-19. Review status: criteria provided, single submitter. Criteria: Invitae Variant Classification Sherloc (09022015). Collection method: clinical testing. Allele origin: germline.
Comment: This sequence change replaces leucine, which is neutral and non-polar, with phenylalanine, which is neutral and non-polar, at codon 874 of the DOCK8 protein (p.Leu874Phe). This variant is not present in population databases (gnomAD no frequency). This variant has not been reported in the literature in individuals affected with DOCK8-related conditions. ClinVar contains an entry for this variant (Variation ID: 1954927). Invitae Evidence Modeling of protein sequence and biophysical properties (such as structural, functional, and spatial information, amino acid conservation, physicochemical variation, residue mobility, and thermodynamic stability) indicates that this missense variant is not expected to disrupt DOCK8 protein function with a negative predictive value of 80%. In summary, the available evidence is currently insufficient to determine the role of this variant in disease. Therefore, it has been classified as a Variant of Uncertain Significance.

Ambry Genetics
Classification: Uncertain significance for Inborn genetic diseases. Last evaluated: 2024-08-14. Review status: criteria provided, single submitter. Criteria: Ambry Variant Classification Scheme 2023. Collection method: clinical testing. Allele origin: germline.